The following is an entry in ClinVar:

ClinVar aggregate classification (germline): Uncertain significance (1 of 4 stars; one submission).

Submission:

Labcorp Genetics (formerly Invitae), Labcorp
Classification: Uncertain significance. Last evaluated: 2023-04-15. Review status: criteria provided, single submitter. Criteria: Invitae Variant Classification Sherloc (09022015). Collection method: clinical testing. Allele origin: germline.
Comment: In summary, the available evidence is currently insufficient to determine the role of this variant in disease. Therefore, it has been classified as a Variant of Uncertain Significance. An algorithm developed to predict the effect of missense changes on protein structure and function (PolyPhen-2) suggests that this variant is likely to be tolerated. This variant has not been reported in the literature in individuals affected with IL6ST-related conditions. This variant is not present in population databases (gnomAD no frequency). This sequence change replaces leucine, which is neutral and non-polar, with valine, which is neutral and non-polar, at codon 848 of the IL6ST protein (p.Leu848Val).

NM_002184.4(IL6ST):c.2542C>G (p.Leu848Val)

Gene: IL6ST (interleukin 6 cytokine family signal transducer; minus strand). Cytogenetic location: 5q11.2.
Variant type: single nucleotide variant.
Coding change: c.2542C>G on transcript NM_002184.4 (MANE Select); coding-DNA position 2542, C replaced by G.
Protein change: p.Leu848Val; replaces leucine 848 with valine.
Molecular consequence: missense variant. On other transcripts: 3 prime UTR variant (1), non-coding transcript variant (2).
Genome position (GRCh38, 1-based): chr5:55,941,297, G>C on the plus strand (C>G on the coding strand, the complement: IL6ST is on the minus strand). VCF-style: chr5-55941297-G-C. GRCh37 (hg19) VCF-style: chr5-55237125-G-C.
Other names: c.2359C>G, p.Leu787Val (NM_001190981.2); c.2440C>G, p.Leu814Val (NM_001364275.2); c.2332C>G, p.Leu778Val (NM_001364276.2); c.1675C>G, p.Leu559Val (NM_001364277.2); c.1639C>G, p.Leu547Val (NM_001364278.2); c.1546C>G, p.Leu516Val (NM_001364279.2); c.*1469C>G (NM_175767.3); short protein forms L778V, L848V, L516V, L814V, L547V, L559V, L787V.
Identifiers: ClinVar variation 2856708 (VCV002856708.3), dbSNP rs535657497, ClinGen allele CA359777856.
Genomic context (GRCh38, chr5:55,941,297, plus strand): 5'-ACATTTTCATTTGCCCAGATCCACAGGATTGTGAAATATGATCTGAAATCTGCTGTTTAA[G>C]TCTAACAAAATCTTCCTCATTGACTGATGAAACTTGCTTTGACCTTTCAAAATGTGAAAT-3'
Protein context (NP_002175.2, residues 838-858): SSVNEEDFVR[Leu848Val]KQQISDHISQ